The following is an entry in ClinVar:

ClinVar aggregate classification (germline): Uncertain significance (1 of 4 stars; one submission).

Submission:

GeneDx
Classification: Uncertain significance. Last evaluated: 2019-06-24. Review status: criteria provided, single submitter. Criteria: GeneDx Variant Classification Process June 2021. Collection method: clinical testing. Allele origin: germline. Affected: yes.
Comment: Not observed in large population cohorts (Lek et al., 2016); In silico analysis, which includes protein predictors and evolutionary conservation, supports that this variant does not alter protein structure/function; Has not been previously published as pathogenic or benign to our knowledge

NM_030665.4(RAI1):c.3124_3125delinsTC (p.Gly1042Ser)

Gene: RAI1 (retinoic acid induced 1; plus strand). Cytogenetic location: 17p11.2.
Variant type: Indel.
Coding change: c.3124_3125delinsTC on transcript NM_030665.4 (MANE Select); coding-DNA positions 3124 to 3125, GG replaced by TC.
Protein change: p.Gly1042Ser; replaces glycine 1042 with serine.
Molecular consequence: missense variant.
Genome position (GRCh38, 1-based): chr17:17,796,072-17,796,073, GG replaced by TC. VCF-style: chr17-17796072-GG-TC. GRCh37 (hg19) VCF-style: chr17-17699386-GG-TC.
Other names: short protein forms G1042S.
Identifiers: ClinVar variation 1306591 (VCV001306591.2), dbSNP rs2143002527, ClinGen allele CA2573054341.